The following is an entry in ClinVar:

NM_015346.4(ZFYVE26):c.6080A>G (p.Asp2027Gly)

Gene: ZFYVE26 (zinc finger FYVE-type containing 26; minus strand). Cytogenetic location: 14q24.1.
Variant type: single nucleotide variant.
Coding change: c.6080A>G on transcript NM_015346.4 (MANE Select); coding-DNA position 6080, A replaced by G.
Protein change: p.Asp2027Gly; replaces aspartic acid 2027 with glycine.
Molecular consequence: missense variant.
Genome position (GRCh38, 1-based): chr14:67,762,751, T>C on the plus strand (A>G on the coding strand, the complement: ZFYVE26 is on the minus strand). VCF-style: chr14-67762751-T-C. GRCh37 (hg19) VCF-style: chr14-68229468-T-C.
Other names: short protein forms D2027G.
Identifiers: ClinVar variation 1713521 (VCV001713521.5), dbSNP rs777072416, ClinGen allele CA390165024.
Genomic context (GRCh38, chr14:67,762,751, plus strand): 5'-TACTCGGCTTCCAAAAGCTGGTTCCTTAGCCTGGTTACTGCAGCTGGCTGCAAGATCTGA[T>C]CCAAAGATGGCACGTGGCGATAGGCAGCAGCAACTAAAATATTCAGCACATCTACCTTGC-3'
Protein context (NP_056161.2, residues 2017-2037): AAAYRHVPSL[Asp2027Gly]QILQPAAVTR

ClinVar aggregate classification (germline): Uncertain significance (1 of 4 stars; one submission).

Conditions:
Spastic paraplegia. Identifiers: MedGen C0037772, HP:0001258.

Allele frequency attached by ClinVar (database versions not stated): gnomAD exomes 0.00001.
gnomAD v4.1: 3 of 1,614,200 alleles (0.00019%); highest among the groups gnomAD compares: Middle Eastern, 0.033%; no homozygotes.

Submission:

Labcorp Genetics (formerly Invitae), Labcorp
Classification: Uncertain significance for Spastic paraplegia. Last evaluated: 2023-04-24. Review status: criteria provided, single submitter. Criteria: Invitae Variant Classification Sherloc (09022015). Collection method: clinical testing. Allele origin: germline.
Comment: This sequence change replaces aspartic acid, which is acidic and polar, with glycine, which is neutral and non-polar, at codon 2027 of the ZFYVE26 protein (p.Asp2027Gly). This variant is not present in population databases (gnomAD no frequency). This variant has not been reported in the literature in individuals affected with ZFYVE26-related conditions. ClinVar contains an entry for this variant (Variation ID: 1713521). An algorithm developed to predict the effect of missense changes on protein structure and function (PolyPhen-2) suggests that this variant is likely to be disruptive. In summary, the available evidence is currently insufficient to determine the role of this variant in disease. Therefore, it has been classified as a Variant of Uncertain Significance.